The following is an entry in ClinVar:

NM_000203.5(IDUA):c.682C>T (p.Pro228Ser)

Gene: IDUA (alpha-L-iduronidase; plus strand). Cytogenetic location: 4p16.3.
Variant type: single nucleotide variant.
Coding change: c.682C>T on transcript NM_000203.5 (MANE Select); coding-DNA position 682, C replaced by T.
Protein change: p.Pro228Ser; replaces proline 228 with serine.
Molecular consequence: missense variant. On other transcripts: non-coding transcript variant (1).
Genome position (GRCh38, 1-based): chr4:1,001,771, C>T. VCF-style: chr4-1001771-C-T. GRCh37 (hg19) VCF-style: chr4-995559-C-T.
Other names: c.286C>T, p.Pro96Ser (NM_001363576.1); short protein forms P228S, P96S.
Identifiers: ClinVar variation 967169 (VCV000967169.7), dbSNP rs775641597, ClinGen allele CA2802054.

ClinVar aggregate classification (germline): Uncertain significance. Review status: criteria provided, single submitter (1 of 4 stars). 2 submissions from 2 submitters: Uncertain significance (1). 1 of the submissions does not count toward it. Last evaluated 2022-09-13.

Conditions:
Mucopolysaccharidosis type 1. Also called: IDUA deficiency; MPS I. Identifiers: Orphanet 579, MedGen C0023786, MONDO:0001586.

Allele frequency attached by ClinVar (database versions not stated): TOPMed 0.00003; gnomAD exomes 0.00001; gnomAD 0.00005; ExAC 0.00005.
gnomAD v4.1: 30 of 1,601,376 alleles (0.0019%); highest among the groups gnomAD compares: Non-Finnish European, 0.0025%; no homozygotes.

Submissions (2):

Labcorp Genetics (formerly Invitae), Labcorp
Classification: Uncertain significance for Mucopolysaccharidosis type 1. Last evaluated: 2022-09-13. Review status: criteria provided, single submitter. Criteria: Invitae Variant Classification Sherloc (09022015). Collection method: clinical testing. Allele origin: germline.
Comment: This sequence change replaces proline, which is neutral and non-polar, with serine, which is neutral and polar, at codon 228 of the IDUA protein (p.Pro228Ser). The frequency data for this variant in the population databases is considered unreliable, as metrics indicate poor data quality at this position in the gnomAD database. This variant has not been reported in the literature in individuals affected with IDUA-related conditions. ClinVar contains an entry for this variant (Variation ID: 967169). Advanced modeling of protein sequence and biophysical properties (such as structural, functional, and spatial information, amino acid conservation, physicochemical variation, residue mobility, and thermodynamic stability) performed at Invitae indicates that this missense variant is not expected to disrupt IDUA protein function. In summary, the available evidence is currently insufficient to determine the role of this variant in disease. Therefore, it has been classified as a Variant of Uncertain Significance.

Natera, Inc.
Classification: Uncertain significance for Mucopolysaccharidosis type I. Last evaluated: 2020-09-23. Review status: no assertion criteria provided. Collection method: clinical testing. Allele origin: germline. Not counted in ClinVar's aggregate classification.